The following is an entry in ClinVar:

ClinVar aggregate classification (germline): Conflicting classifications of pathogenicity. Review status: criteria provided, conflicting classifications (1 of 4 stars). 5 submissions from 5 submitters: Uncertain significance (4); Likely benign (1). Last evaluated 2025-10-24.

Conditions:
Hereditary breast ovarian cancer syndrome. Also called: BRCA1- and BRCA2-Associated Hereditary Breast and Ovarian Cancer; Hereditary breast and/or ovarian cancer syndrome; Hereditary breast and ovarian cancer syndrome; Hereditary breast and ovarian cancer; Hereditary breast and ovarian cancer syndrome (HBOC); Breast and ovarian cancer. Identifiers: Orphanet 145, MedGen C0677776, MeSH D061325, MONDO:0003582. Disease mechanism: loss of function.
Familial cancer of breast. Also called: Hereditary breast cancer; BREAST CANCER, FAMILIAL; hereditary breast carcinoma. Identifiers: Orphanet 227535, MedGen C0346153, MONDO:0016419, OMIM 114480. Disease mechanism: loss of function.
Hereditary cancer-predisposing syndrome. Also called: Hereditary neoplastic syndrome; Neoplastic Syndromes, Hereditary; Tumor predisposition; Hereditary Cancer Syndrome. Identifiers: Orphanet 140162, MedGen C0027672, MeSH D009386, MONDO:0015356.

Allele frequency attached by ClinVar (database versions not stated): gnomAD exomes below 0.00001; gnomAD 0.00001.
gnomAD v4.1: 2 of 1,613,692 alleles (0.00012%); highest among the groups gnomAD compares: African/African-American, 0.0013%; no homozygotes.

Submissions (5):

Labcorp Genetics (formerly Invitae), Labcorp
Classification: Uncertain significance for Familial cancer of breast. Last evaluated: 2025-10-24. Review status: criteria provided, single submitter. Criteria: Invitae Variant Classification Sherloc (09022015). Collection method: clinical testing. Allele origin: germline.
Comment: This sequence change replaces glutamine, which is neutral and polar, with arginine, which is basic and polar, at codon 449 of the BARD1 protein (p.Gln449Arg). This variant is not present in population databases (gnomAD no frequency). This variant has not been reported in the literature in individuals affected with BARD1-related conditions. ClinVar contains an entry for this variant (Variation ID: 422972). An algorithm developed to predict the effect of missense changes on protein structure and function (PolyPhen-2) suggests that this variant is likely to be tolerated. In summary, the available evidence is currently insufficient to determine the role of this variant in disease. Therefore, it has been classified as a Variant of Uncertain Significance.

Ambry Genetics
Classification: Likely benign for Hereditary cancer-predisposing syndrome. Last evaluated: 2025-06-20. Review status: criteria provided, single submitter. Criteria: Ambry Variant Classification Scheme 2023. Collection method: clinical testing. Allele origin: germline.

Color Diagnostics, LLC DBA Color Health
Classification: Uncertain significance for Hereditary cancer-predisposing syndrome. Last evaluated: 2024-03-06. Review status: criteria provided, single submitter. Criteria: ACMG Guidelines, 2015. Collection method: clinical testing. Allele origin: germline.
Comment: This missense variant replaces glutamine with arginine at codon 449 of the BARD1 protein. Computational prediction tool suggests that this variant may not impact protein structure and function (internally defined REVEL score threshold <= 0.5, PMID: 27666373). Splice site prediction tools suggest that this variant may not impact RNA splicing. To our knowledge, functional studies have not been performed for this variant. This variant has not been reported in individuals affected with hereditary cancer in the literature. This variant has not been identified in the general population by the Genome Aggregation Database (gnomAD). The available evidence is insufficient to determine the role of this variant in disease conclusively. Therefore, this variant is classified as a Variant of Uncertain Significance.

Department of Pathology and Laboratory Medicine, Sinai Health System
Classification: Uncertain significance for Hereditary breast ovarian cancer syndrome. Last evaluated: 2023-02-13. Review status: criteria provided, single submitter. Criteria: ACMG Guidelines, 2015. Collection method: clinical testing. Allele origin: germline. Affected: yes.

GeneDx
Classification: Uncertain significance. Last evaluated: 2016-12-26. Review status: criteria provided, single submitter. Criteria: GeneDx Variant Classification (06012015). Collection method: clinical testing. Allele origin: germline. Affected: yes.
Comment: This variant is denoted BARD1 c.1346A>G at the cDNA level, p.Gln449Arg (Q449R) at the protein level, and results in the change of a Glutamine to an Arginine (CAA>CGA). This variant has not, to our knowledge, been published in the literature as pathogenic or benign. BARD1 Gln449Arg was not observed in approximately 6,500 individuals of European and African American ancestry in the NHLBI Exome Sequencing Project, suggesting it is not a common benign variant in these populations. Since Glutamine and Arginine differ in some properties, this is considered a semi-conservative amino acid substitution. BARD1 Gln449Arg occurs at a position that is not conserved and is located within the ANK1 repeat (Uniprot). In silico analyses are inconsistent regarding the effect this variant may have on protein structure and function. Based on currently available evidence, it is unclear whether BARD1 Gln449Arg is a pathogenic or benign variant. We consider it to be a variant of uncertain significance.

NM_000465.4(BARD1):c.1346A>G (p.Gln449Arg)

Gene: BARD1 (BRCA1 associated RING domain 1; minus strand). Cytogenetic location: 2q35.
Variant type: single nucleotide variant.
Coding change: c.1346A>G on transcript NM_000465.4 (MANE Select); coding-DNA position 1346, A replaced by G.
Protein change: p.Gln449Arg; replaces glutamine 449 with arginine.
Molecular consequence: missense variant. On other transcripts: non-coding transcript variant (3), intron variant (3).
Genome position (GRCh38, 1-based): chr2:214,769,281, T>C on the plus strand (A>G on the coding strand, the complement: BARD1 is on the minus strand). VCF-style: chr2-214769281-T-C. GRCh37 (hg19) VCF-style: chr2-215634005-T-C.
Other names: c.1289A>G, p.Gln430Arg (NM_001282543.2); c.159-16726A>G (NM_001282548.2); c.216-16726A>G (NM_001282545.2); c.364+23016A>G (NM_001282549.2); short protein forms Q449R, Q430R.
Identifiers: ClinVar variation 422972 (VCV000422972.20), dbSNP rs916069875, ClinGen allele CA16617441.